The following is an entry in ClinVar:

ClinVar aggregate classification (germline): Uncertain significance. Review status: criteria provided, multiple submitters, no conflicts (2 of 4 stars). 2 submissions from 2 submitters: Uncertain significance (2). Last evaluated 2023-11-02.

Conditions:
Hereditary cancer-predisposing syndrome. Also called: Neoplastic Syndromes, Hereditary; Hereditary Cancer Syndrome; Hereditary neoplastic syndrome; Tumor predisposition. Identifiers: Orphanet 140162, MedGen C0027672, MeSH D009386, MONDO:0015356.

Allele frequency attached by ClinVar (database versions not stated): gnomAD exomes below 0.00001 and 0.00001; ExAC 0.00001.
gnomAD v4.1: 4 of 1,614,102 alleles (0.00025%); highest among the groups gnomAD compares: Non-Finnish European, 0.00017%; no homozygotes.

Submissions (2):

Labcorp Genetics (formerly Invitae), Labcorp
Classification: Uncertain significance. Last evaluated: 2023-11-02. Review status: criteria provided, single submitter. Criteria: Invitae Variant Classification Sherloc (09022015). Collection method: clinical testing. Allele origin: germline.
Comment: This sequence change replaces proline, which is neutral and non-polar, with serine, which is neutral and polar, at codon 602 of the CTNNA1 protein (p.Pro602Ser). This variant is present in population databases (rs543603775, gnomAD 0.0009%). This variant has not been reported in the literature in individuals affected with CTNNA1-related conditions. ClinVar contains an entry for this variant (Variation ID: 934705). Advanced modeling of protein sequence and biophysical properties (such as structural, functional, and spatial information, amino acid conservation, physicochemical variation, residue mobility, and thermodynamic stability) performed at Invitae indicates that this missense variant is not expected to disrupt CTNNA1 protein function with a negative predictive value of 80%. In summary, the available evidence is currently insufficient to determine the role of this variant in disease. Therefore, it has been classified as a Variant of Uncertain Significance.

Ambry Genetics
Classification: Uncertain significance for Hereditary cancer-predisposing syndrome. Last evaluated: 2023-03-17. Review status: criteria provided, single submitter. Criteria: Ambry Variant Classification Scheme 2023. Collection method: clinical testing. Allele origin: germline.
Comment: The p.P602S variant (also known as c.1804C>T), located in coding exon 12 of the CTNNA1 gene, results from a C to T substitution at nucleotide position 1804. The proline at codon 602 is replaced by serine, an amino acid with similar properties. This amino acid position is well conserved in available vertebrate species. In addition, this alteration is predicted to be tolerated by in silico analysis. Since supporting evidence is limited at this time, the clinical significance of this alteration remains unclear.

NM_001903.5(CTNNA1):c.1804C>T (p.Pro602Ser)

Gene: CTNNA1 (catenin alpha 1; plus strand). Cytogenetic location: 5q31.2.
Variant type: single nucleotide variant.
Coding change: c.1804C>T on transcript NM_001903.5 (MANE Select); coding-DNA position 1804, C replaced by T.
Protein change: p.Pro602Ser; replaces proline 602 with serine.
Molecular consequence: missense variant.
Genome position (GRCh38, 1-based): chr5:138,925,312, C>T. VCF-style: chr5-138925312-C-T. GRCh37 (hg19) VCF-style: chr5-138261001-C-T.
Other names: c.1804C>T, p.Pro602Ser (NM_001290307.3, NM_001323982.2, NM_001323983.1 and 2 more transcripts); c.1495C>T, p.Pro499Ser (NM_001290309.3); c.1435C>T, p.Pro479Ser (NM_001290310.3); c.694C>T, p.Pro232Ser (NM_001290312.1, NM_001323987.1, NM_001323988.1 and 17 more transcripts); c.1711C>T, p.Pro571Ser (NM_001323986.2); c.355C>T, p.Pro119Ser (NM_001324006.1, NM_001324007.1, NM_001324008.1 and 2 more transcripts); c.601C>T, p.Pro201Ser (NM_001324011.1); c.451C>T, p.Pro151Ser (NM_001324012.1, NM_001324013.1); short protein forms P232S, P151S, P479S, P499S, P571S, P602S, P119S, P201S.
Identifiers: ClinVar variation 934705 (VCV000934705.12), dbSNP rs543603775, ClinGen allele CA3432039.
Genomic context (GRCh38, chr5:138,925,312, plus strand): 5'-ACAGTCATGCCACGTTTTACTGAGCAAGTAGAAGCAGCCGTGGAAGCCCTCAGCTCGGAC[C>T]CTGCCCAGCCCATGGATGAGAATGAGTTTATCGATGCTTCCCGCCTGGTATATGATGGCA-3'
Protein context (NP_001894.2, residues 592-612): EAAVEALSSD[Pro602Ser]AQPMDENEFI